The following is an entry in ClinVar:

NM_001375380.1(EBF3):c.373G>A (p.Asp125Asn)

Gene: EBF3 (EBF transcription factor 3; minus strand). Cytogenetic location: 10q26.3.
Variant type: single nucleotide variant.
Coding change: c.373G>A on transcript NM_001375380.1 (MANE Select); coding-DNA position 373, G replaced by A.
Protein change: p.Asp125Asn; replaces aspartic acid 125 with asparagine.
Molecular consequence: missense variant.
Genome position (GRCh38, 1-based): chr10:129,962,209, C>T on the plus strand (G>A on the coding strand, the complement: EBF3 is on the minus strand). VCF-style: chr10-129962209-C-T. GRCh37 (hg19) VCF-style: chr10-131760473-C-T.
Other names: c.373G>A, p.Asp125Asn (NM_001005463.3, NM_001375379.1, NM_001375389.1 and 3 more transcripts); c.373G>A (NM_001005463.2); short protein forms D125N.
Identifiers: ClinVar variation 1321302 (VCV001321302.2), dbSNP rs2134649012, ClinGen allele CA378910870.

ClinVar aggregate classification (germline): Uncertain significance. Review status: criteria provided, multiple submitters, no conflicts (2 of 4 stars). 2 submissions from 2 submitters: Uncertain significance (2). Last evaluated 2023-08-07.

Conditions:
Hypotonia, ataxia, and delayed development syndrome (HADDS). Also called: EBF3 Neurodevelopmental Disorder. Identifiers: Orphanet 658843, MedGen C4310618, MONDO:0015021, OMIM 617330.

Submissions (2):

Women's Health and Genetics/Laboratory Corporation of America, LabCorp
Classification: Uncertain significance. Last evaluated: 2023-08-07. Review status: criteria provided, single submitter. Criteria: LabCorp Variant Classification Summary - May 2015. Collection method: clinical testing. Allele origin: germline.
Comment: Variant summary: EBF3 c.373G>A (p.Asp125Asn) results in a conservative amino acid change located in the Transcription factor COE, DNA-binding domain (IPR032200) of the encoded protein sequence. Three of five in-silico tools predict a damaging effect of the variant on protein function. The variant was absent in 251458 control chromosomes. The available data on variant occurrences in the general population are insufficient to allow any conclusion about variant significance. c.373G>A has been reported in the literature as a VUS of unknown allele origin in at-least one inconclusive diagnostic case with neurodevelopmental delay undergoing exome analysis in whom dysmorphic facies and hypotonia/ataxia were not included in the HPO terms reported (e.g., Seo_2022). Therefore, this report does not provide unequivocal conclusions about association of the variant with Hypotonia, Ataxia, And Delayed Development Syndrome (HADDS). To our knowledge, no experimental evidence demonstrating an impact on protein function has been reported. The following publication have been ascertained in the context of this evaluation (PMID: 35346031). One submitter has cited clinical-significance assessments for this variant to ClinVar after 2014 and has classified the variant as uncertain significance. Based on the evidence outlined above, the variant was classified as uncertain significance.

3billion
Classification: Uncertain significance for Hypotonia, ataxia, and delayed development syndrome. Last evaluated: 2021-10-25. Review status: criteria provided, single submitter. Criteria: ACMG Guidelines, 2015. Collection method: clinical testing. Allele origin: unknown. Affected: yes. Observed: 1 heterozygote.
Comment: This is not observed in the gnomAD v2.1.1 dataset (PM2). In silico tool predictions suggest damaging effect of the variant on gene or gene product (3Cnet:0.954, PP3). Therefore, this variant is classified as uncertain significance according to the recommendation of ACMG/AMP guideline.

Literature cited by the submitters: PubMed 35346031 (cited by Women's Health and Genetics/Laboratory Corporation of America, LabCorp).